The following is an entry in ClinVar:

NM_001018005.2(TPM1):c.105G>T (p.Arg35Ser)

Gene: TPM1 (tropomyosin 1; plus strand). Cytogenetic location: 15q22.2.
Variant type: single nucleotide variant.
Coding change: c.105G>T on transcript NM_001018005.2 (MANE Select); coding-DNA position 105, G replaced by T.
Protein change: p.Arg35Ser; replaces arginine 35 with serine.
Molecular consequence: missense variant. On other transcripts: non-coding transcript variant (11).
Genome position (GRCh38, 1-based): chr15:63,042,934, G>T. VCF-style: chr15-63042934-G-T. GRCh37 (hg19) VCF-style: chr15-63335133-G-T.
Other names: c.105G>T, p.Arg35Ser (NM_000366.6, NM_001018004.2, NM_001018006.2 and 24 more transcripts); short protein forms R35S.
Identifiers: ClinVar variation 4756687 (VCV004756687.1).
Genomic context (GRCh38, chr15:63,042,934, plus strand): 5'-GGAGAACGCCTTGGATCGAGCTGAGCAGGCGGAGGCCGACAAGAAGGCGGCGGAAGACAG[G>T]AGCAAGCAGGTCTGCGCCTCCCCGGCCCTGCGCCCGCGCCCAGAGCGCCGGGACTCGAGC-3'
Protein context (NP_001018005.1, residues 25-45): AEADKKAAED[Arg35Ser]SKQLEDELVS

ClinVar aggregate classification (germline): Uncertain significance (1 of 4 stars; one submission).

Conditions:
Cardiomyopathy (CMYO). Also called: Cardiomyopathies. Identifiers: Orphanet 167848, MedGen C0878544, MONDO:0004994, HP:0001638. Inheritance: Various modes of inheritance.

Submission:

Color Diagnostics, LLC DBA Color Health
Classification: Uncertain significance for Cardiomyopathy. Last evaluated: 2025-05-12. Review status: criteria provided, single submitter. Criteria: ACMG Guidelines, 2015. Collection method: clinical testing. Allele origin: germline.
Comment: This missense variant replaces arginine with serine at codon 35 of the TPM1 protein. Computational prediction suggests that this variant may not impact protein structure and function. To our knowledge, functional studies have not been reported for this variant. This variant has not been reported in individuals affected with TPM1-related disorders in the literature. This variant has not been identified in the general population by the Genome Aggregation Database (gnomAD). The available evidence is insufficient to determine the role of this variant in disease conclusively. Therefore, this variant is classified as a Variant of Uncertain Significance.